The following is an entry in ClinVar:

NM_021625.5(TRPV4):c.946C>T (p.Arg316Cys)

Gene: TRPV4 (transient receptor potential cation channel subfamily V member 4; minus strand). Cytogenetic location: 12q24.11.
Variant type: single nucleotide variant.
Coding change: c.946C>T on transcript NM_021625.5 (MANE Select); coding-DNA position 946, C replaced by T.
Protein change: p.Arg316Cys; replaces arginine 316 with cysteine.
Molecular consequence: missense variant.
Genome position (GRCh38, 1-based): chr12:109,798,820, G>A on the plus strand (C>T on the coding strand, the complement: TRPV4 is on the minus strand). VCF-style: chr12-109798820-G-A. GRCh37 (hg19) VCF-style: chr12-110236625-G-A.
Other names: c.844C>T, p.Arg282Cys (NM_001177431.2); c.805C>T, p.Arg269Cys (NM_001177433.2, NM_001177428.2); c.946C>T, p.Arg316Cys (NM_147204.3); short protein forms R316C, R282C, R269C.
Identifiers: ClinVar variation 5001 (VCV000005001.57), dbSNP rs267607145, ClinGen allele CA117182.

ClinVar aggregate classification (germline): Pathogenic. Review status: criteria provided, multiple submitters, no conflicts (2 of 4 stars). 11 submissions from 10 submitters: Pathogenic (7). 4 of the submissions do not count toward it. Last evaluated 2026-01-15.

Conditions:
TRPV4-related disorder. Also called: TRPV4-related condition; TRPV4-related disorders.
Neuronopathy, distal hereditary motor, autosomal dominant. Also called: Autosomal dominant distal hereditary motor neuropathy. Identifiers: Orphanet 140465, MedGen C5548212, MONDO:0015362.
Inborn genetic diseases. Identifiers: MedGen C0950123, MeSH D030342.
Charcot-Marie-Tooth disease. Also called: Charcot-Marie-Tooth Neuropathy; Charcot-Marie-Tooth Hereditary Neuropathy. Identifiers: Orphanet 166, MedGen C0007959, MONDO:0015626.
Neuromuscular disease. Also called: Neuromuscular disorder; Neuromyopathy. Identifiers: Orphanet 68381, MedGen C0027868, MeSH D009468, MONDO:0019056.
Scapuloperoneal spinal muscular atrophy (SPSMA). Also called: Scapuloperoneal Spinal Muscular Atrophy, TRPV4-Related; AMYOTROPHY, NEUROGENIC SCAPULOPERONEAL, NEW ENGLAND TYPE; Scapuloperoneal Form of Spinal Muscular Atrophy; Scapuloperoneal spinal muscular atrophy, autosomal dominant. Identifiers: Orphanet 431255, MedGen C0751335, MONDO:0008408, OMIM 181405.
Charcot-Marie-Tooth disease axonal type 2C (HMSN2C). Also called: Charcot-Marie-Tooth Disease Type 2, TRPV4-Related (CMT2C); CHARCOT-MARIE-TOOTH DISEASE, AXONAL, AUTOSOMAL DOMINANT, TYPE 2C; Charcot-Marie-Tooth Neuropathy Type 2C. Identifiers: Orphanet 99937, MedGen C1853710, MONDO:0011633, OMIM 606071.

Submissions (11):

3billion
Classification: Pathogenic for TRPV4-related disorder. Last evaluated: 2026-01-15. Review status: criteria provided, single submitter. Criteria: ACMG Guidelines, 2015. Collection method: clinical testing. Allele origin: germline. Affected: yes.
Comment: The variant is not observed in the gnomAD v4.1.0 dataset. Predicted Consequence/Location: Missense variant. Missense changes are a common disease-causing mechanism. Functional studies provide strong evidence of the variant having a damaging effect on the gene or gene product (PMID: 20037587, 20037588, 21454511). In silico tool predictions suggest damaging effect of the variant on gene or gene product [REVEL: 0.62 (>=0.6, sensitivity 0.68 and specificity 0.92); 3Cnet: 0.95 (> 0.75, sensitivity 0.96 and precision 0.92)]. The same nucleotide change resulting in the same amino acid change has been previously reported as pathogenic/likely pathogenic with strong evidence (ClinVar ID: VCV000005001 /PMID: 20037587). The variant has been observed in at least two similarly affected unrelated individuals (PMID: 20037587, 24789864). The variant has been reported to co-segregate with the disease in at least 7 similarly affected relatives/individuals in at least two unrelated families (PMID: 20037587, 24789864). Different missense changes at the same codon (p.Arg316His, p.Arg316Leu, p.Arg316Ser) have been reported as pathogenic/likely pathogenic with strong evidence (ClinVar ID: VCV000030473, VCV000424307, VCV001522581 /PMID: 21288981). Therefore, this variant is classified as Pathogenic according to the recommendation of ACMG/AMP guideline.

Ambry Genetics
Classification: Pathogenic for Inborn genetic diseases. Last evaluated: 2025-09-15. Review status: criteria provided, single submitter. Criteria: Ambry Variant Classification Scheme 2023. Collection method: clinical testing. Allele origin: germline.
Comment: The c.946C>T (p.R316C) alteration is located in exon 6 (coding exon 5) of the TRPV4 gene. This alteration results from a C to T substitution at nucleotide position 946, causing the arginine (R) at amino acid position 316 to be replaced by a cysteine (C). This variant was not reported in population-based cohorts in the Genome Aggregation Database (gnomAD). This variant was reported in individual(s) with features consistent with Charcot-Marie-Tooth disease type 2C and scapuloperoneal spinal muscular atrophy; in at least one individual, it was determined to be de novo (Auer-Grumbach, 2010; Chen, 2023; Deng, 2010; Echaniz-Laguna, 2014; Landour&eacute;, 2010). This variant segregated with disease in at least one family with features consistent with Charcot-Marie-Tooth disease type 2C and scapuloperoneal spinal muscular atrophy (Chen, 2023; Deng, 2010; Landour&eacute;, 2010). Other variant(s) at the same codon, c.947G>A (p.R316H) have been identified in individual(s) with features consistent with Charcot-Marie-Tooth disease type 2C (Klein, 2011). This amino acid position is well conserved in available vertebrate species. In multiple assays testing TRPV4 function, this variant showed functionally abnormal results (Landour&eacute;, 2010; Auer-Grumbach, 2010; Deng, 2010). This alteration is predicted to be deleterious by in silico analysis. Based on the available evidence, this alteration is classified as pathogenic.

GeneDx
Classification: Pathogenic. Last evaluated: 2023-06-21. Review status: criteria provided, single submitter. Criteria: GeneDx Variant Classification Process June 2021. Collection method: clinical testing. Allele origin: germline. Affected: yes.
Comment: Published functional studies demonstrate a damaging effect; the R316C variant results in increased calcium channel activity suggestive of a gain of function effect (Deng et al., 2010; Fecto et al., 2011); Not observed at significant frequency in large population cohorts (gnomAD); In silico analysis supports that this missense variant has a deleterious effect on protein structure/function; This variant is associated with the following publications: (PMID: 20037588, 22702953, 21454511, 24789864, 32376792, 31468327, 20037587)

Labcorp Genetics (formerly Invitae), Labcorp
Classification: Pathogenic for Charcot-Marie-Tooth disease axonal type 2C. Last evaluated: 2022-10-03. Review status: criteria provided, single submitter. Criteria: Invitae Variant Classification Sherloc (09022015). Collection method: clinical testing. Allele origin: germline.
Comment: This variant is not present in population databases (gnomAD no frequency). For these reasons, this variant has been classified as Pathogenic. This variant disrupts the p.Arg316 amino acid residue in TRPV4. Other variant(s) that disrupt this residue have been determined to be pathogenic (PMID: 21288981, 24319099, 24789864). This suggests that this residue is clinically significant, and that variants that disrupt this residue are likely to be disease-causing. Experimental studies have shown that this missense change affects TRPV4 function (PMID: 20037587, 21454511). Advanced modeling of protein sequence and biophysical properties (such as structural, functional, and spatial information, amino acid conservation, physicochemical variation, residue mobility, and thermodynamic stability) has been performed at Invitae for this missense variant, however the output from this modeling did not meet the statistical confidence thresholds required to predict the impact of this variant on TRPV4 protein function. ClinVar contains an entry for this variant (Variation ID: 5001). This missense change has been observed in individual(s) with Scapuloperoneal spinal muscular atrophy (SPSMA) and hereditary motor and sensory neuropathy 2C (HMSN2C) (PMID: 20037587, 20037588, 24789864). In at least one individual the variant was observed to be de novo. It has also been observed to segregate with disease in related individuals. This sequence change replaces arginine, which is basic and polar, with cysteine, which is neutral and slightly polar, at codon 316 of the TRPV4 protein (p.Arg316Cys).

CeGaT Center for Human Genetics Tuebingen
Classification: Pathogenic. Last evaluated: 2022-06-01. Review status: criteria provided, single submitter. Criteria: CeGaT Center For Human Genetics Tuebingen Variant Classification Criteria Version 2. Collection method: clinical testing. Allele origin: germline. Affected: yes. Observed: 2 variant alleles.
Comment: TRPV4: PP1:Strong, PM2, PM5, PS4:Moderate, PP4, PS3:Supporting

Illumina Laboratory Services, Illumina
Classification: Pathogenic for TRPV4-related disorders. Last evaluated: 2021-05-12. Review status: criteria provided, single submitter. Criteria: ICSLVariantClassificationCriteria RUGD 01 April 2020. Collection method: clinical testing. Allele origin: unknown.
Comment: The TRPV4 c.946C>T (p.Arg316Cys) variant is a missense variant that has been reported in a heterozygous state in at least six unrelated individuals with scapuloperoneal spinal muscular atrophy, hereditary motor and sensory neuropathy (type 2C), or distal hereditary motor neuropathy (Deng et al. 2010; Auer-Grumbach et al. 2010; Echaniz-Laguna et al. 2014; Deng et al. 2020). The variant segregated with the disease in multiple affected family members in three of the families and was reported to occur in a de novo state in one individual. The p.Arg316Cys variant is not reported in the Genome Aggregation Database, in a region of good sequencing coverage, indicating it is rare. The variant occurs in the ankyrin repeat-containing region of the cytoplasmic N terminus where several other pathogenic missense variants have been reported. In vitro functional studies suggest it has a gain-of-function effect and increases calcium influx (Deng et al. 2010; Fecto et al. 2011). However, conflicting results have also been reported (Auer-Grumbach et al. 2010), and the pathognomonic mechanism may not yet be fully understood (Echaniz-Laguna et al. 2014). Based on the collective evidence, the p.Arg316Cys variant is classified as pathogenic for TRPV4-related disorders.

Molecular Genetics Laboratory, London Health Sciences Centre
Classification: Pathogenic for Charcot-Marie-Tooth disease. Review status: criteria provided, single submitter. Criteria: ACMG Guidelines, 2015. Collection method: clinical testing. Allele origin: germline. Affected: yes.

OMIM
Classification: Pathogenic for HEREDITARY MOTOR AND SENSORY NEUROPATHY, TYPE IIC. Last evaluated: 2010-02-01. Review status: no assertion criteria provided. Collection method: literature only. Allele origin: germline. Not counted in ClinVar's aggregate classification.

OMIM
Classification: Pathogenic for SCAPULOPERONEAL SPINAL MUSCULAR ATROPHY. Last evaluated: 2010-02-01. Review status: no assertion criteria provided. Collection method: literature only. Allele origin: germline. Not counted in ClinVar's aggregate classification.

GeneReviews
No classification provided. Condition: Neuromuscular disease. Review status: no classification provided. Collection method: literature only. Allele origin: germline. Affected: yes. Not counted in ClinVar's aggregate classification.

Inherited Neuropathy Consortium
Classification: Uncertain significance for Autosomal dominant distal hereditary motor neuropathy. Review status: no assertion criteria provided. Collection method: literature only. Allele origin: germline. Affected: yes. Not counted in ClinVar's aggregate classification.

Literature cited by the submitters: PubMed 21288981 (cited by 3 submitters); PubMed 20037588 (cited by 5 submitters); PubMed 24789864 (cited by 4 submitters); PubMed 20037587 (cited by 6 submitters); PubMed 21454511 (cited by 3 submitters); PubMed 20037586 (cited by Ambry Genetics and OMIM); PubMed 37391745 (cited by Ambry Genetics); PubMed 24319099 (cited by Labcorp Genetics (formerly Invitae), Labcorp); PubMed 31468327 (cited by Illumina Laboratory Services, Illumina); PubMed 1520078 (cited by OMIM); PubMed 20104247 (cited by OMIM); NCBI Bookshelf NBK201366 (cited by GeneReviews).